The following is an entry in ClinVar:

ClinVar aggregate classification (germline): Conflicting classifications of pathogenicity. Review status: criteria provided, conflicting classifications (1 of 4 stars). 3 submissions from 3 submitters: Likely pathogenic (1); Uncertain significance (2). Last evaluated 2024-11-05.

Conditions:
OBSL1-related disorder. Also called: OBSL1-related condition.

Submissions (3):

Women's Health and Genetics/Laboratory Corporation of America, LabCorp
Classification: Uncertain significance. Last evaluated: 2024-11-05. Review status: criteria provided, single submitter. Criteria: LabCorp Variant Classification Summary - May 2015. Collection method: clinical testing. Allele origin: germline.
Comment: Variant summary: OBSL1 c.3459_3460delTG (p.Cys1153X) results in a premature termination codon, predicted to cause a truncation of the encoded protein, however the significance of variants in this region is unclear. The variant allele was found at a frequency of 1.2e-05 in 243460 control chromosomes, predominantly at a frequency of 1.8e-05 within the Non-Finnish European subpopulation in the gnomAD database. The available data on variant occurrences in the general population are insufficient to allow any conclusion about variant significance. To our knowledge, no occurrence of c.3459_3460delTG in individuals affected with Three M Syndrome 2 and no experimental evidence demonstrating its impact on protein function have been reported. ClinVar contains an entry for this variant (Variation ID: 1345817). Based on the evidence outlined above, the variant was classified as uncertain significance.

Labcorp Genetics (formerly Invitae), Labcorp
Classification: Uncertain significance. Last evaluated: 2022-07-12. Review status: criteria provided, single submitter. Criteria: Invitae Variant Classification Sherloc (09022015). Collection method: clinical testing. Allele origin: germline.
Comment: This variant is present in population databases (rs757802630, gnomAD 0.003%). In summary, the available evidence is currently insufficient to determine the role of this variant in disease. Therefore, it has been classified as a Variant of Uncertain Significance. Algorithms developed to predict the effect of sequence changes on RNA splicing suggest that this variant may disrupt the consensus splice site. This variant has not been reported in the literature in individuals affected with OBSL1-related conditions. This sequence change creates a premature translational stop signal (p.Cys1153*) in the OBSL1 gene. However, it is currently unclear if variants that occur in this region of the gene cause disease.

Blueprint Genetics
Classification: Likely pathogenic for OBSL1-related disorders. Last evaluated: 2021-09-02. Review status: criteria provided, single submitter. Criteria: ACMG Guidelines, 2015. Collection method: clinical testing. Allele origin: germline. Affected: yes. Observed: 1 variant allele.

NM_015311.3(OBSL1):c.3459_3460del (p.Cys1153_Glu1154delinsTer)

Gene: OBSL1 (obscurin like cytoskeletal adaptor 1; minus strand). Cytogenetic location: 2q35.
Variant type: Microsatellite.
Coding change: c.3459_3460del on transcript NM_015311.3 (MANE Select); coding-DNA positions 3459 to 3460, 2 bases deleted (TG; older notation c.3459_3460delTG).
Protein change: p.Cys1153_Glu1154delinsTer.
Molecular consequence: nonsense.
Genome position (GRCh38, 1-based): chr2:219,558,226-219,558,227, CA deleted on the plus strand (TG on the coding strand, the reverse complement: OBSL1 is on the minus strand); deleting any 2 consecutive bases within chr2:219,558,226-219,558,233 gives the same sequence; the c. name uses the placement nearest the transcript's 3' end. VCF-style (leftmost placement, unchanged base first): chr2-219558225-TCA-T. GRCh37 (hg19) VCF-style: chr2-220422947-TCA-T.
Other names: c.3459_3460delTG (NM_015311.3); c.3459_3460del, p.Cys1153_Glu1154delinsTer (NM_001173431.2).
Identifiers: ClinVar variation 1345817 (VCV001345817.8), dbSNP rs757802630, ClinGen allele CA2130860.